The following is an entry in ClinVar:

NM_001349798.2(FBXW7):c.727A>G (p.Ser243Gly)

Genes: FBXW7 (F-box and WD repeat domain containing 7; minus strand), FBXW7-AS1 (FBXW7 antisense RNA 1; plus strand). Cytogenetic location: 4q31.3.
Variant type: single nucleotide variant.
Coding change: c.727A>G on transcript NM_001349798.2 (MANE Select); coding-DNA position 727, A replaced by G.
Protein change: p.Ser243Gly; replaces serine 243 with glycine.
Molecular consequence: missense variant. On other transcripts: non-coding transcript variant (1).
Genome position (GRCh38, 1-based): chr4:152,337,936, T>C on the plus strand (A>G on the coding strand, the complement: FBXW7 is on the minus strand). VCF-style: chr4-152337936-T-C. GRCh37 (hg19) VCF-style: chr4-153259088-T-C.
Other names: c.373A>G, p.Ser125Gly (NM_001013415.2); c.487A>G, p.Ser163Gly (NM_018315.5); c.727A>G, p.Ser243Gly (NM_033632.3); short protein forms S125G, S163G, S243G.
Identifiers: ClinVar variation 4805397 (VCV004805397.1).
Genomic context (GRCh38, chr4:152,337,936, plus strand): 5'-TTGGTTCACAACTATCAATGAGTTCATCTAAAGCAAGCAATTTCTCTGGTCCACTCCAGC[T>C]CTATCAAAGAGAATTAGAAATTTTTATTGTTTTAACAGATGTCCCAAATTACAGGCTTAT-3'
Protein context (NP_001336727.1, residues 233-253): GLQEWLKMFQ[Ser243Gly]WSGPEKLLAL

ClinVar aggregate classification (germline): Uncertain significance (1 of 4 stars; one submission).

gnomAD v4.1: 8 of 1,595,684 alleles (0.0005%); highest among the groups gnomAD compares: Non-Finnish European, 0.00068%; no homozygotes.

Submission:

Labcorp Genetics (formerly Invitae), Labcorp
Classification: Uncertain significance. Last evaluated: 2025-09-17. Review status: criteria provided, single submitter. Criteria: Invitae Variant Classification Sherloc (09022015). Collection method: clinical testing. Allele origin: germline.
Comment: This sequence change replaces serine, which is neutral and polar, with glycine, which is neutral and non-polar, at codon 243 of the FBXW7 protein (p.Ser243Gly). This variant is present in population databases (rs368613046, gnomAD 0.007%). This variant has not been reported in the literature in individuals affected with FBXW7-related conditions. An algorithm developed to predict the effect of missense changes on protein structure and function (PolyPhen-2) suggests that this variant is likely to be tolerated. In summary, the available evidence is currently insufficient to determine the role of this variant in disease. Therefore, it has been classified as a Variant of Uncertain Significance.